The following is an entry in ClinVar:

ClinVar aggregate classification (germline): Uncertain significance (1 of 4 stars; one submission).

Submission:

GeneDx
Classification: Uncertain significance. Last evaluated: 2020-03-06. Review status: criteria provided, single submitter. Criteria: GeneDx Variant Classification Process June 2021. Collection method: clinical testing. Allele origin: germline. Affected: yes.
Comment: Not observed in large population cohorts (Lek et al., 2016); In silico analysis supports that this missense variant does not alter protein structure/function; Has not been previously published as pathogenic or benign to our knowledge

NM_001379286.1(ZNF423):c.389G>T (p.Gly130Val)

Gene: ZNF423 (zinc finger protein 423; minus strand). Cytogenetic location: 16q12.1.
Variant type: single nucleotide variant.
Coding change: c.389G>T on transcript NM_001379286.1 (MANE Select); coding-DNA position 389, G replaced by T.
Protein change: p.Gly130Val; replaces glycine 130 with valine.
Molecular consequence: missense variant.
Genome position (GRCh38, 1-based): chr16:49,638,787, C>A on the plus strand (G>T on the coding strand, the complement: ZNF423 is on the minus strand). VCF-style: chr16-49638787-C-A. GRCh37 (hg19) VCF-style: chr16-49672698-C-A.
Other names: c.185G>T, p.Gly62Val (NM_001271620.2); c.14G>T, p.Gly5Val (NM_001330533.2); c.365G>T, p.Gly122Val (NM_015069.5); short protein forms G122V, G62V, G5V, G130V.
Identifiers: ClinVar variation 420898 (VCV000420898.3), dbSNP rs1064794776, ClinGen allele CA16620209.